The following is an entry in ClinVar:

NM_000092.5(COL4A4):c.4715C>T (p.Pro1572Leu)

Gene: COL4A4 (collagen type IV alpha 4 chain; minus strand). Cytogenetic location: 2q36.3.
Variant type: single nucleotide variant.
Coding change: c.4715C>T on transcript NM_000092.5 (MANE Select); coding-DNA position 4715, C replaced by T.
Protein change: p.Pro1572Leu; replaces proline 1572 with leucine.
Molecular consequence: missense variant.
Genome position (GRCh38, 1-based): chr2:227,008,112, G>A on the plus strand (C>T on the coding strand, the complement: COL4A4 is on the minus strand). VCF-style: chr2-227008112-G-A. GRCh37 (hg19) VCF-style: chr2-227872828-G-A.
Other names: short protein forms P1572L.
Identifiers: ClinVar variation 17409 (VCV000017409.59), dbSNP rs121912863, ClinGen allele CA257925.

ClinVar aggregate classification (germline): Conflicting classifications of pathogenicity. Review status: criteria provided, conflicting classifications (1 of 4 stars). 15 submissions from 15 submitters: Likely pathogenic (1); Uncertain significance (9); Likely benign (2). 3 of the submissions do not count toward it. Last evaluated 2026-01-26.

Conditions:
COL4A4-related disorder.
Hematuria, benign familial, 1 (BFH1). Also called: THIN MEMBRANE NEPHROPATHY. Identifiers: MedGen CN376803, MONDO:0007709, OMIM 141200.
Autosomal recessive Alport syndrome (ATS2). Also called: COL4A4 Alport Syndrome and Thin Basement Membrane Nephropathy; Alport syndrome type 2; COL4A3-Related Nephropathy; ALPORT SYNDROME 2, AUTOSOMAL RECESSIVE. Identifiers: Orphanet 63, Orphanet 88919, MedGen C4746745, MONDO:0008762, OMIM 203780.
Kidney disorder. Also called: Nephropathy; renal disease; renal disorder; Kidney disease; Kidney Diseases. Identifiers: MedGen C0022658, MONDO:0005240, HP:0000112.
Inborn genetic diseases. Identifiers: MedGen C0950123, MeSH D030342.
Alport syndrome. Also called: Hemorrhagic familial nephritis; Hemorrhagic hereditary nephritis; Congenital hereditary hematuria. Identifiers: Orphanet 63, MedGen C1567741, MONDO:0018965.

Allele frequency attached by ClinVar (database versions not stated): 1000 Genomes Project 0.00060; 1000 Genomes Project 30x 0.00062; ExAC 0.00014; gnomAD exomes 0.00016 and 0.00008; gnomAD 0.00019 and 0.00023; TOPMed 0.00040.
gnomAD v4.1: 219 of 1,613,954 alleles (0.014%); highest among the groups gnomAD compares: East Asian, 0.11%; 2 homozygotes.

Submissions 1 to 12 of 15:

Labcorp Genetics (formerly Invitae), Labcorp
Classification: Likely benign. Last evaluated: 2026-01-26. Review status: criteria provided, single submitter. Criteria: Invitae Variant Classification Sherloc (09022015). Collection method: clinical testing. Allele origin: germline.

GeneDx
Classification: Uncertain significance. Last evaluated: 2025-08-09. Review status: criteria provided, single submitter. Criteria: GeneDx Variant Classification Process June 2021. Collection method: clinical testing. Allele origin: germline. Affected: yes.
Comment: Observed with a second variant in a patient with mesangial proliferative nephropathy in published literature (PMID: 25381091); In silico analysis supports that this missense variant has a deleterious effect on protein structure/function; This variant is associated with the following publications: (PMID: 31019026, 31589614, 32154576, 22887978, 35114279, 33772369, 36349777, 9792860, 34645491, 37097554, 36130833, 25381091, 39540369, 38972501)

Women's Health and Genetics/Laboratory Corporation of America, LabCorp
Classification: Likely benign. Last evaluated: 2025-07-16. Review status: criteria provided, single submitter. Criteria: LabCorp Variant Classification Summary - May 2015. Collection method: clinical testing. Allele origin: germline.
Comment: Variant summary: COL4A4 c.4715C>T (p.Pro1572Leu) results in a non-conservative amino acid change in the encoded protein sequence. Algorithms developed to predict the effect of missense changes on protein structure and function all suggest that this variant is likely to be disruptive. The variant allele was found at a frequency of 0.00016 in 248514 control chromosomes, predominantly at a frequency of 0.0013 within the East Asian subpopulation in the gnomAD database. The observed variant frequency within East Asian control individuals in the gnomAD database is approximately 1 fold of the estimated maximal expected allele frequency for a pathogenic variant in COL4A4 causing Alport Syndrome, Autosomal Recessive phenotype (0.0011). c.4715C>T has been reported in the literature in individuals affected with Alport Syndrome and IgA nephropath, without strong evidence for causality (Boye_1998,Yuan_2023, Zhang_2021, Zhou_2023). These report(s) do not provide unequivocal conclusions about association of the variant with Alport Syndrome, Autosomal Recessive. To our knowledge, no experimental evidence demonstrating an impact on protein function has been reported. The following publications have been ascertained in the context of this evaluation (PMID: 9792860, 36130833, 33772369, 37097554). ClinVar contains an entry for this variant (Variation ID: 17409). Based on the evidence outlined above, the variant was classified as likely benign.

Dasa
Classification: Uncertain significance. Last evaluated: 2025-06-26. Review status: criteria provided, single submitter. Criteria: DASA Assertion Criteria. Collection method: clinical testing. Allele origin: germline.
Comment: NM_000092.5(COL4A4):c.4715C>T (p.Pro1572Leu) is a missense variant that results in the substitution of proline with leucine. This variant has been recurrently observed in individuals with COL4A4-related disorders (PMID: 33772369; PMID: 31019026; PMID: 32154576; PMID: 22887978; PMID: 35114279). Also, this variant is rare in population databases. Computational prediction algorithms are consistent with a deleterious effect. The currently available literature and clinical evidence are not sufficient to establish a definitive association between this variant and the reported condition. Therefore, this variant is classified as a variant of uncertain significance.

Blueprint Genetics
Classification: Uncertain significance. Last evaluated: 2024-10-28. Review status: criteria provided, single submitter. Criteria: ACMG Guidelines, 2015. Collection method: clinical testing. Allele origin: germline.

Victorian Clinical Genetics Services, Murdoch Childrens Research Institute
Classification: Likely pathogenic for Alport syndrome. Last evaluated: 2024-10-08. Review status: criteria provided, single submitter. Criteria: ACMG Guidelines, 2015. Collection method: clinical testing. Allele origin: germline. Affected: yes.
Comment: Based on the classification scheme VCGS_Germline_v1.3.4, this variant is classified as Likely pathogenic. Following criteria are met: 0103 - Loss of function is a known mechanism of disease for this gene and is associated with Alport syndrome. Dominant negative is a suspected mechanism of disease for this gene as it is a structural protein (PMID: 12028435, 24046192). (I) 0108 - This gene is associated with both recessive and dominant disease. Alport syndrome typically has biallelic inheritance, although rare cases of monoallelic inheritance have been reported (PMID: 28704582). Thin basement membrane nephropathy and focal segmental glomerulosclerosis are associated with autosomal dominant inheritance (OMIM, PMID: 16467446, 17942953). (I) 0200 - Variant is predicted to result in a missense amino acid change from proline to leucine. (I) 0251 - This variant is heterozygous. (I) 0304 - Variant is present in gnomAD <0.01 (v2: 44 heterozygotes, 0 homozygotes, v3: 35 heterozygotes, 1 homozygote). (SP) 0501 - Missense variant consistently predicted to be damaging by multiple in silico tools or highly conserved with a major amino acid change. (SP) 0600 - Variant is located in the annotated collagen IV NC1 domain (PMID: 25381091, 9792860). (I) 0705 - No comparable missense variants have previous evidence for pathogenicity. (I) 0802 - This variant has moderate previous evidence of pathogenicity in unrelated individuals.This variant has been classified as a VUS several times by diagnostic laboratories in ClinVar, and once as likely benign, but has also been classified as likely pathogenic or pathogenic many times in individuals with Alport syndrome. There is good evidence for the pathogenicity of this variant in autosomal recessive disease, and some evidence for pathogenicity in autosomal dominant disease (ClinVar, LOVD, PMID: 22887978, 25381091, 28976722, 31019026, 31246743, 31589614, 33772369, 9792860, 37097554). Recent literature also reports individuals who are heterozygous for this variant as unaffected carriers, or report other variants that account for their observed phenotype (PMID: 35114279, 36370330, 36349777, 37147621). (SP) 0906 - Segregation evidence for this variant is inconclusive. This variant has been observed in an unaffected parent (PMID: 25381091). (I) 1007 - No published functional evidence has been identified for this variant. (I) 1208 - Inheritance information for this variant is not currently available in this individual. (I) Legend: (SP) - Supporting pathogenic, (I) - Information, (SB) - Supporting benign

Fulgent Genetics
Classification: Uncertain significance for Hematuria, benign familial, 1; Autosomal recessive Alport syndrome. Last evaluated: 2024-03-08. Review status: criteria provided, single submitter. Criteria: ACMG Guidelines, 2015. Collection method: clinical testing. Allele origin: germline.

CeGaT Center for Human Genetics Tuebingen
Classification: Uncertain significance. Last evaluated: 2024-02-01. Review status: criteria provided, single submitter. Criteria: CeGaT Center For Human Genetics Tuebingen Variant Classification Criteria Version 2. Collection method: clinical testing. Allele origin: germline. Affected: yes. Observed: 2 variant alleles.

Ambry Genetics
Classification: Uncertain significance for Inborn genetic diseases. Last evaluated: 2023-11-01. Review status: criteria provided, single submitter. Criteria: Ambry Variant Classification Scheme 2023. Collection method: clinical testing. Allele origin: germline.

Laboratory for Molecular Medicine, Mass General Brigham Personalized Medicine
Classification: Uncertain significance. Last evaluated: 2019-03-01. Review status: criteria provided, single submitter. Criteria: LMM Criteria. Collection method: clinical testing. Allele origin: germline. Observed: 1 variant allele.

Genome Diagnostics Laboratory, The Hospital for Sick Children
Classification: Uncertain significance for Kidney disorder. Last evaluated: 2019-01-01. Review status: criteria provided, single submitter. Criteria: ACMG Guidelines, 2015. Collection method: clinical testing. Allele origin: germline.

Illumina Laboratory Services, Illumina
Classification: Uncertain significance for Alport syndrome. Last evaluated: 2017-04-27. Review status: criteria provided, single submitter. Criteria: ICSL Variant Classification Criteria 13 December 2019. Collection method: clinical testing. Allele origin: germline.
Comment: This variant was observed as part of a predisposition screen in an ostensibly healthy population. A literature search was performed for the gene, cDNA change, and amino acid change (where applicable). Publications were found based on this search. However, the evidence from the literature, in combination with allele frequency data from public databases where available, was not sufficient to rule this variant in or out of causing disease. Therefore, this variant is classified as a variant of unknown significance.